The following is an entry in ClinVar:

ClinVar aggregate classification (germline): Uncertain significance (1 of 4 stars; one submission).

gnomAD v4.1: 3 of 1,613,946 alleles (0.00019%); highest among the groups gnomAD compares: East Asian, 0.0022%; no homozygotes.

Submission:

Labcorp Genetics (formerly Invitae), Labcorp
Classification: Uncertain significance. Last evaluated: 2025-08-06. Review status: criteria provided, single submitter. Criteria: Invitae Variant Classification Sherloc (09022015). Collection method: clinical testing. Allele origin: germline.
Comment: This sequence change replaces arginine, which is basic and polar, with cysteine, which is neutral and slightly polar, at codon 838 of the ITGAM protein (p.Arg838Cys). This variant is present in population databases (rs752648557, gnomAD 0.006%). This variant has not been reported in the literature in individuals affected with ITGAM-related conditions. ClinVar contains an entry for this variant (Variation ID: 3677845). An algorithm developed to predict the effect of missense changes on protein structure and function (PolyPhen-2) suggests that this variant is likely to be disruptive. In summary, the available evidence is currently insufficient to determine the role of this variant in disease. Therefore, it has been classified as a Variant of Uncertain Significance.

NM_000632.4(ITGAM):c.2512C>T (p.Arg838Cys)

Gene: ITGAM (integrin subunit alpha M; plus strand). Cytogenetic location: 16p11.2.
Variant type: single nucleotide variant.
Coding change: c.2512C>T on transcript NM_000632.4 (MANE Select); coding-DNA position 2512, C replaced by T.
Protein change: p.Arg838Cys; replaces arginine 838 with cysteine.
Molecular consequence: missense variant.
Genome position (GRCh38, 1-based): chr16:31,325,506, C>T. VCF-style: chr16-31325506-C-T. GRCh37 (hg19) VCF-style: chr16-31336827-C-T.
Other names: c.2515C>T, p.Arg839Cys (NM_001145808.2); short protein forms R839C, R838C.
Identifiers: ClinVar variation 3677845 (VCV003677845.2).
Genomic context (GRCh38, chr16:31,325,506, plus strand): 5'-CCATCCTCACGGCCGGAGGTGGATATCACCGCCTTTGCCTCCCCTGCCTTCCAGAACCAG[C>T]GCTCACAGCGATCCTGGCGCCTGGCCTGTGAGTCTGCCTCCTCCACCGAAGTGTCTGGGG-3'
Protein context (NP_000623.2, residues 828-848): YRKVSTLQNQ[Arg838Cys]SQRSWRLACE